The following is an entry in ClinVar:

NM_003128.3(SPTBN1):c.1134G>A (p.Gln378=)

Gene: SPTBN1 (spectrin beta, non-erythrocytic 1; plus strand). Cytogenetic location: 2p16.2.
Variant type: single nucleotide variant.
Coding change: c.1134G>A on transcript NM_003128.3 (MANE Select); coding-DNA position 1134, G replaced by A.
Protein change: p.Gln378=; no amino-acid change (glutamine 378 retained).
Molecular consequence: synonymous variant.
Genome position (GRCh38, 1-based): chr2:54,623,548, G>A. VCF-style: chr2-54623548-G-A. GRCh37 (hg19) VCF-style: chr2-54850685-G-A.
Other names: c.1134G>A (NM_003128.2); c.1095G>A, p.Gln365= (NM_178313.3).
Identifiers: ClinVar variation 4955132 (VCV004955132.3).

ClinVar aggregate classification (germline): Likely benign. Review status: criteria provided, multiple submitters, no conflicts (2 of 4 stars). 3 submissions from 3 submitters: Likely benign (3). Last evaluated 2026-07-01.

Conditions:
SPTBN1-related disorder. Also called: SPTBN1-related condition.

gnomAD v4.1: 1,935 of 1,614,202 alleles (0.12%); highest among the groups gnomAD compares: Non-Finnish European, 0.15%; 2 homozygotes.

Submissions (3):

CeGaT Center for Human Genetics Tuebingen
Classification: Likely benign. Last evaluated: 2026-07-01. Review status: criteria provided, single submitter. Criteria: CeGaT Center For Human Genetics Tuebingen Variant Classification Criteria Version 2. Collection method: clinical testing. Allele origin: germline. Affected: yes. Observed: 1 variant allele.
Comment: SPTBN1: BP4, BS1

PreventionGenetics, part of Exact Sciences
Classification: Likely benign for SPTBN1-related condition. Last evaluated: 2025-10-23. Review status: criteria provided, single submitter. Criteria: ACMG Guidelines, 2015. Collection method: clinical testing. Allele origin: germline.
Comment: This variant is classified as likely benign based on ACMG/AMP sequence variant interpretation guidelines (Richards et al. 2015 PMID: 25741868, with internal and published modifications).

Blueprint Genetics
Classification: Likely benign. Last evaluated: 2024-11-06. Review status: criteria provided, single submitter. Criteria: ACMG Guidelines, 2015. Collection method: clinical testing. Allele origin: germline.